The following is an entry in ClinVar:

ClinVar aggregate classification (germline): Pathogenic (1 of 4 stars; one submission).

Conditions:
Hereditary breast ovarian cancer syndrome. Also called: Breast and ovarian cancer; BRCA1- and BRCA2-Associated Hereditary Breast and Ovarian Cancer; Hereditary breast and ovarian cancer syndrome; Hereditary breast and/or ovarian cancer syndrome; Hereditary breast and ovarian cancer; Hereditary breast and ovarian cancer syndrome (HBOC). Identifiers: Orphanet 145, MedGen C0677776, MeSH D061325, MONDO:0003582. Disease mechanism: loss of function.

Submission:

Labcorp Genetics (formerly Invitae), Labcorp
Classification: Pathogenic for Hereditary breast ovarian cancer syndrome. Last evaluated: 2020-03-28. Review status: criteria provided, single submitter. Criteria: Invitae Variant Classification Sherloc (09022015). Collection method: clinical testing. Allele origin: germline.
Comment: For these reasons, this variant has been classified as Pathogenic. Loss-of-function variants in BRCA1 are known to be pathogenic (PMID: 20104584). This variant has not been reported in the literature in individuals with BRCA1-related conditions. This variant is not present in population databases (ExAC no frequency). This sequence change creates a premature translational stop signal (p.Leu666Profs*6) in the BRCA1 gene. It is expected to result in an absent or disrupted protein product.

Literature cited by the submitters: PubMed 20104584.

NM_007294.4(BRCA1):c.1997_1998del (p.Leu666fs)

Gene: BRCA1 (BRCA1 DNA repair associated; minus strand). Cytogenetic location: 17q21.31.
Variant type: Deletion.
Coding change: c.1997_1998del on transcript NM_007294.4 (MANE Select); coding-DNA positions 1997 to 1998, 2 bases deleted (TA; older notation c.1997_1998delTA).
Protein change: p.Leu666fs; shifts the reading frame from leucine 666.
Molecular consequence: frameshift variant. On other transcripts: intron variant (137).
Genome position (GRCh38, 1-based): chr17:43,093,533-43,093,534, TA deleted on the plus strand (TA on the coding strand, the reverse complement: BRCA1 is on the minus strand). VCF-style (leftmost placement, unchanged base first): chr17-43093532-GTA-G. GRCh37 (hg19) VCF-style: chr17-41245549-GTA-G.
Other names: c.1784_1785del, p.Leu595fs (NM_001407571.1, NM_001407853.1, NM_001407894.1 and 9 more transcripts); c.1997_1998del, p.Leu666fs (NM_001407581.1, NM_001407582.1, NM_001407583.1 and 30 more transcripts); c.1994_1995del, p.Leu665fs (NM_001407587.1, NM_001407590.1, NM_001407591.1 and 22 more transcripts); c.1988_1989del, p.Leu663fs (NM_001407646.1, NM_001407647.1); c.1874_1875del, p.Leu625fs (NM_001407648.1, NM_001407664.1, NM_001407665.1 and 19 more transcripts); c.1871_1872del, p.Leu624fs (NM_001407649.1, NM_001407670.1, NM_001407671.1 and 11 more transcripts); c.1919_1920del, p.Leu640fs (NM_001407653.1, NM_001407654.1, NM_001407655.1 and 4 more transcripts); c.1916_1917del, p.Leu639fs (NM_001407659.1, NM_001407660.1, NM_001407661.1 and 1 more transcripts); and 40 more; short protein forms L619fs, L666fs, L538fs, L577fs, L595fs, L498fs, L554fs, L578fs.
Identifiers: ClinVar variation 1069423 (VCV001069423.8), dbSNP rs2154404837, ClinGen allele CA2499224528.